The following is an entry in ClinVar:

NM_017617.5(NOTCH1):c.4820A>G (p.Lys1607Arg)

Gene: NOTCH1 (notch receptor 1; minus strand). Cytogenetic location: 9q34.3.
Variant type: single nucleotide variant.
Coding change: c.4820A>G on transcript NM_017617.5 (MANE Select); coding-DNA position 4820, A replaced by G.
Protein change: p.Lys1607Arg; replaces lysine 1607 with arginine.
Molecular consequence: missense variant.
Genome position (GRCh38, 1-based): chr9:136,504,871, T>C on the plus strand (A>G on the coding strand, the complement: NOTCH1 is on the minus strand). VCF-style: chr9-136504871-T-C. GRCh37 (hg19) VCF-style: chr9-139399323-T-C.
Other names: short protein forms K1607R.
Identifiers: ClinVar variation 2274046 (VCV002274046.6), dbSNP rs1005968621, ClinGen allele CA201643935.

ClinVar aggregate classification (germline): Uncertain significance. Review status: criteria provided, multiple submitters, no conflicts (2 of 4 stars). 2 submissions from 2 submitters: Uncertain significance (2). Last evaluated 2025-12-07.

Conditions:
Adams-Oliver syndrome 5 (AOS5). Identifiers: Orphanet 974, MedGen C4014970, MONDO:0014459, OMIM 616028.
Familial thoracic aortic aneurysm and aortic dissection (TAAD). Also called: Thoracic aortic aneurysms and dissections. Identifiers: Orphanet 91387, MedGen C4707243, MONDO:0019625.

Allele frequency attached by ClinVar (database versions not stated): gnomAD exomes 0.00001.
gnomAD v4.1: 4 of 1,584,408 alleles (0.00025%); highest among the groups gnomAD compares: Middle Eastern, 0.017%; no homozygotes.

Submissions (2):

Ambry Genetics
Classification: Uncertain significance for Familial thoracic aortic aneurysm and aortic dissection. Last evaluated: 2025-12-07. Review status: criteria provided, single submitter. Criteria: Ambry Variant Classification Scheme 2023. Collection method: clinical testing. Allele origin: germline.
Comment: The p.K1607R variant (also known as c.4820A>G), located in coding exon 26 of the NOTCH1 gene, results from an A to G substitution at nucleotide position 4820. The lysine at codon 1607 is replaced by arginine, an amino acid with highly similar properties. This amino acid position is conserved. In addition, this alteration is predicted to be tolerated by in silico analysis. Based on the available evidence, the clinical significance of this variant remains unclear.

Labcorp Genetics (formerly Invitae), Labcorp
Classification: Uncertain significance for Adams-Oliver syndrome 5. Last evaluated: 2023-01-14. Review status: criteria provided, single submitter. Criteria: Invitae Variant Classification Sherloc (09022015). Collection method: clinical testing. Allele origin: germline.
Comment: In summary, the available evidence is currently insufficient to determine the role of this variant in disease. Therefore, it has been classified as a Variant of Uncertain Significance. Advanced modeling of protein sequence and biophysical properties (such as structural, functional, and spatial information, amino acid conservation, physicochemical variation, residue mobility, and thermodynamic stability) performed at Invitae indicates that this missense variant is not expected to disrupt NOTCH1 protein function. This sequence change replaces lysine, which is basic and polar, with arginine, which is basic and polar, at codon 1607 of the NOTCH1 protein (p.Lys1607Arg). This variant is not present in population databases (gnomAD no frequency). This variant has not been reported in the literature in individuals affected with NOTCH1-related conditions.